The following is an entry in ClinVar:

ClinVar aggregate classification (germline): Pathogenic/Likely pathogenic. Review status: criteria provided, multiple submitters, no conflicts (2 of 4 stars). 7 submissions from 7 submitters: Pathogenic (5); Likely pathogenic (2). Last evaluated 2025-09-11.

Conditions:
Hereditary cancer-predisposing syndrome. Also called: Neoplastic Syndromes, Hereditary; Tumor predisposition; Hereditary Cancer Syndrome; Hereditary neoplastic syndrome. Identifiers: Orphanet 140162, MedGen C0027672, MeSH D009386, MONDO:0015356.
Familial cancer of breast. Also called: BREAST CANCER, FAMILIAL; Hereditary breast cancer; hereditary breast carcinoma. Identifiers: Orphanet 227535, MedGen C0346153, MONDO:0016419, OMIM 114480. Disease mechanism: loss of function.
Malignant tumor of breast. Also called: Malignant breast neoplasm; Cancer breast. Identifiers: MedGen C0006142, MONDO:0007254. Disease mechanism: loss of function.

Allele frequency attached by ClinVar (database versions not stated): gnomAD exomes below 0.00001.

Submissions (7):

Color Diagnostics, LLC DBA Color Health
Classification: Pathogenic for Hereditary cancer-predisposing syndrome. Last evaluated: 2025-09-11. Review status: criteria provided, single submitter. Criteria: ACMG Guidelines, 2015. Collection method: clinical testing. Allele origin: germline.
Comment: This variant changes 1 nucleotide in exon 9 of the PALB2 gene, creating a premature translation stop signal. This variant is expected to result in an absent or non-functional protein product. This variant has been reported in an individual affected with ovarian cancer (PMID: 28888541). This variant has not been identified in the general population by the Genome Aggregation Database (gnomAD). Loss of PALB2 function is a known mechanism of disease. Based on the available evidence, this variant is classified as Pathogenic.

Labcorp Genetics (formerly Invitae), Labcorp
Classification: Pathogenic for Familial cancer of breast. Last evaluated: 2025-05-19. Review status: criteria provided, single submitter. Criteria: Invitae Variant Classification Sherloc (09022015). Collection method: clinical testing. Allele origin: germline.
Comment: This sequence change creates a premature translational stop signal (p.Glu996*) in the PALB2 gene. It is expected to result in an absent or disrupted protein product. Loss-of-function variants in PALB2 are known to be pathogenic (PMID: 17200668, 17200671, 17200672, 24136930, 25099575). This variant is not present in population databases (gnomAD no frequency). This premature translational stop signal has been observed in individual(s) with ovarian cancer (PMID: 28888541). ClinVar contains an entry for this variant (Variation ID: 187492). RNA analysis performed to evaluate the impact of this premature translational stop signal on mRNA splicing indicates it does not significantly alter splicing (internal data). For these reasons, this variant has been classified as Pathogenic.

Ambry Genetics
Classification: Pathogenic for Hereditary cancer-predisposing syndrome. Last evaluated: 2025-05-08. Review status: criteria provided, single submitter. Criteria: Ambry Variant Classification Scheme 2023. Collection method: clinical testing. Allele origin: germline.
Comment: The p.E996* pathogenic mutation (also known as c.2986G>T), located in coding exon 9 of the PALB2 gene, results from a G to T substitution at nucleotide position 2986. This changes the amino acid from a glutamic acid to a stop codon. This variant is considered to be rare based on population cohorts in the Genome Aggregation Database (gnomAD). This alteration is expected to result in loss of function by premature protein truncation or nonsense-mediated mRNA decay. As such, this alteration is interpreted as a disease-causing mutation.

Myriad Genetics, Inc.
Classification: Pathogenic for Familial cancer of breast. Last evaluated: 2023-09-14. Review status: criteria provided, single submitter. Criteria: Myriad Autosomal Dominant, Autosomal Recessive and X-Linked Classification Criteria (2023). Collection method: clinical testing. Allele origin: unknown.
Comment: This variant is considered pathogenic. This variant creates a termination codon and is predicted to result in premature protein truncation.

Women's Health and Genetics/Laboratory Corporation of America, LabCorp
Classification: Likely pathogenic for Malignant tumor of breast. Last evaluated: 2022-06-23. Review status: criteria provided, single submitter. Criteria: LabCorp Variant Classification Summary - May 2015. Collection method: clinical testing. Allele origin: germline.
Comment: Variant summary: PALB2 c.2986G>T (p.Glu996X) results in a premature termination codon, predicted to cause a truncation of the encoded protein or absence of the protein due to nonsense mediated decay, which are commonly known mechanisms for disease. Truncations downstream of this position have been classified as pathogenic by our laboratory. The variant was absent in 251460 control chromosomes (gnomAD). To our knowledge, no occurrence of c.2986G>T in individuals affected with Breast Cancer and no experimental evidence demonstrating its impact on protein function have been reported. Three clinical diagnostic laboratories have submitted clinical-significance assessments for this variant to ClinVar after 2014 and all classified the variant as pathogenic. Based on the evidence outlined above, the variant was classified as likely pathogenic.

Baylor Genetics
Classification: Likely pathogenic for Familial cancer of breast. Last evaluated: 2022-02-02. Review status: criteria provided, single submitter. Criteria: ACMG Guidelines, 2015. Collection method: clinical testing. Allele origin: unknown.

GeneDx
Classification: Pathogenic. Last evaluated: 2016-04-15. Review status: criteria provided, single submitter. Criteria: GeneDx Variant Classification (06012015). Collection method: clinical testing. Allele origin: germline. Affected: yes.
Comment: This variant is denoted PALB2 c.2986G>T at the cDNA level and p.Glu996Ter (E996X) at the protein level. The substitution creates a nonsense variant, which changes a Glutamic Acid to a premature stop codon (GAA>TAA), and is predicted to cause loss of normal protein function through either protein truncation or nonsense-mediated mRNA decay. Although this variant has not, to our knowledge, been reported in the literature, it is considered pathogenic.

Literature cited by the submitters: PubMed 28888541 (cited by Color Diagnostics, LLC DBA Color Health and Labcorp Genetics (formerly Invitae), Labcorp); PubMed 17200668 (cited by Labcorp Genetics (formerly Invitae), Labcorp); PubMed 17200671 (cited by Labcorp Genetics (formerly Invitae), Labcorp); PubMed 17200672 (cited by Labcorp Genetics (formerly Invitae), Labcorp); PubMed 24136930 (cited by Labcorp Genetics (formerly Invitae), Labcorp); PubMed 25099575 (cited by Labcorp Genetics (formerly Invitae), Labcorp).

NM_024675.4(PALB2):c.2986G>T (p.Glu996Ter)

Gene: PALB2 (partner and localizer of BRCA2; minus strand). Cytogenetic location: 16p12.2.
Variant type: single nucleotide variant.
Coding change: c.2986G>T on transcript NM_024675.4 (MANE Select); coding-DNA position 2986, G replaced by T.
Protein change: p.Glu996Ter; replaces glutamic acid 996 with a stop codon.
Molecular consequence: nonsense.
Genome position (GRCh38, 1-based): chr16:23,622,979, C>A on the plus strand (G>T on the coding strand, the complement: PALB2 is on the minus strand). VCF-style: chr16-23622979-C-A. GRCh37 (hg19) VCF-style: chr16-23634300-C-A.
Other names: short protein forms E996*.
Identifiers: ClinVar variation 187492 (VCV000187492.19), dbSNP rs786203775, ClinGen allele CA197777.